The following is an entry in ClinVar:

NM_004333.6(BRAF):c.2128-6T>A

Gene: BRAF (B-Raf proto-oncogene, serine/threonine kinase; minus strand). Cytogenetic location: 7q34.
Variant type: single nucleotide variant.
Coding change: c.2128-6T>A on transcript NM_004333.6 (MANE Select); 6 bases into the intron before coding-DNA position 2128, T replaced by A.
Molecular consequence: intron variant.
Genome position (GRCh38, 1-based): chr7:140,734,776, A>T on the plus strand (T>A on the coding strand, the complement: BRAF is on the minus strand). VCF-style: chr7-140734776-A-T. GRCh37 (hg19) VCF-style: chr7-140434576-A-T.
Other names: c.2127+5036T>A (NM_001378474.1, NM_001378468.1); c.2026-6T>A (NM_001378470.1); c.1864-6T>A (NM_001378475.1); c.2017-6T>A (NM_001378471.1); c.2128-6T>A (NM_001354609.2); c.2248-6T>A (NM_001374258.1, NM_001374244.1); c.2137-6T>A (NM_001378467.1); c.1972-6T>A (NM_001378472.1, NM_001378473.1); and 1 more.
Identifiers: ClinVar variation 44822 (VCV000044822.6), dbSNP rs397516900, ClinGen allele CA135115.
Genomic context (GRCh38, chr7:140,734,776, plus strand): 5'-CACTGCGGTGAATTTTTGGCAATGAGCGGGCCAGCAGCTCAATAGAGGCGAGAATCTACA[A>T]AAAAAAAAAGAAAAAAAAAAGAAAAAAAAAGAAAAAAGAAAAAAAAAGAAAGAAAGAAAA-3'

ClinVar aggregate classification (germline): Conflicting classifications of pathogenicity. Review status: criteria provided, conflicting classifications (1 of 4 stars). 3 submissions from 3 submitters: Uncertain significance (2); Likely benign (1). Last evaluated 2025-10-13.

Conditions:
Cardiovascular phenotype. Identifiers: MedGen CN230736.
RASopathy. Also called: Noonan spectrum disorder; rasopathies. Identifiers: Orphanet 536391, MedGen C5555857, MONDO:0021060.

Submissions (3):

Labcorp Genetics (formerly Invitae), Labcorp
Classification: Uncertain significance for RASopathy. Last evaluated: 2025-10-13. Review status: criteria provided, single submitter. Criteria: Invitae Variant Classification Sherloc (09022015). Collection method: clinical testing. Allele origin: germline.
Comment: This sequence change falls in intron 17 of the BRAF gene. It does not directly change the encoded amino acid sequence of the BRAF protein. This variant is not present in population databases (gnomAD no frequency). This variant has not been reported in the literature in individuals affected with BRAF-related conditions. ClinVar contains an entry for this variant (Variation ID: 44822). Algorithms developed to predict the effect of sequence changes on RNA splicing suggest that this variant may disrupt the consensus splice site. In summary, the available evidence is currently insufficient to determine the role of this variant in disease. Therefore, it has been classified as a Variant of Uncertain Significance.

Ambry Genetics
Classification: Uncertain significance for Cardiovascular phenotype. Last evaluated: 2025-09-19. Review status: criteria provided, single submitter. Criteria: Ambry Variant Classification Scheme 2023. Collection method: clinical testing. Allele origin: germline.
Comment: The c.2128-6T>A intronic alteration consists of a T to A substitution 6 nucleotides before coding exon 18 in the BRAF gene. Based on insufficient or conflicting evidence, the clinical significance of this alteration remains unclear.

Laboratory for Molecular Medicine, Mass General Brigham Personalized Medicine
Classification: Likely benign. Last evaluated: 2011-03-07. Review status: criteria provided, single submitter. Criteria: LMM Criteria. Collection method: clinical testing. Allele origin: germline. Observed: 1 variant allele.
Comment: 2128-6T>A in exon 18 in BRAF: The 2128-6T>A variant in BRAF has not been previou sly reported in the literature or been identified in our laboratory. This varian t is located in the 3' splice region but does not affect the invariant -1 and -2 positions. While positions -3 and -5 to -12 are part of the splicing consensus sequence and variants involving these positions sometimes affect splicing, patho genic splicing variants have not been previously associated with BRAF in individ uals in Noonan spectrum disorders.